The following is an entry in ClinVar:

ClinVar aggregate classification (germline): Uncertain significance (1 of 4 stars; one submission).

Conditions:
Inborn genetic diseases. Identifiers: MedGen C0950123, MeSH D030342.

Submission:

Ambry Genetics
Classification: Uncertain significance for Inborn genetic diseases. Last evaluated: 2025-01-17. Review status: criteria provided, single submitter. Criteria: Ambry Variant Classification Scheme 2023. Collection method: clinical testing. Allele origin: germline.
Comment: The p.F264S variant (also known as c.791T>C), located in coding exon 1 of the SAMD9L gene, results from a T to C substitution at nucleotide position 791. The phenylalanine at codon 264 is replaced by serine, an amino acid with highly dissimilar properties. This amino acid position is conserved. In addition, the in silico prediction for this alteration is inconclusive. Based on the available evidence, the clinical significance of this variant remains unclear.

NM_152703.5(SAMD9L):c.791T>C (p.Phe264Ser)

Gene: SAMD9L (sterile alpha motif domain containing 9 like; minus strand). Cytogenetic location: 7q21.2.
Variant type: single nucleotide variant.
Coding change: c.791T>C on transcript NM_152703.5 (MANE Select); coding-DNA position 791, T replaced by C.
Protein change: p.Phe264Ser; replaces phenylalanine 264 with serine.
Molecular consequence: missense variant.
Genome position (GRCh38, 1-based): chr7:93,135,181, A>G on the plus strand (T>C on the coding strand, the complement: SAMD9L is on the minus strand). VCF-style: chr7-93135181-A-G. GRCh37 (hg19) VCF-style: chr7-92764494-A-G.
Other names: c.791T>C, p.Phe264Ser (NM_001303496.3, NM_001303497.3, NM_001303498.3 and 5 more transcripts); short protein forms F264S.
Identifiers: ClinVar variation 3792316 (VCV003792316.1).